The following is an entry in ClinVar:

ClinVar aggregate classification (germline): Uncertain significance. Review status: criteria provided, multiple submitters, no conflicts (2 of 4 stars). 3 submissions from 3 submitters: Uncertain significance (3). Last evaluated 2025-04-25.

Conditions:
Beckwith-Wiedemann syndrome (BWS). Also called: EMG SYNDROME; Exomphalos macroglossia gigantism syndrome. Identifiers: Orphanet 116, MedGen C0004903, MONDO:0007534, OMIM 130650.
IMAGe syndrome. Also called: Intrauterine growth retardation, metaphyseal dysplasia, adrenal hypoplasia congenita, and genital anomalies; Intrauterine Growth Restriction, Metaphyseal Dysplasia, Adrenal Hypoplasia Congenita, and Genital Anomalies. Identifiers: Orphanet 85173, MedGen C1846009, MONDO:0013873, OMIM 614732.
Inborn genetic diseases. Identifiers: MedGen C0950123, MeSH D030342.

gnomAD v4.1: 2 of 1,204,138 alleles (0.00017%); highest among the groups gnomAD compares: African/African-American, 0.0032%; no homozygotes.

Submissions (3):

Ambry Genetics
Classification: Uncertain significance for Inborn genetic diseases. Last evaluated: 2025-04-25. Review status: criteria provided, single submitter. Criteria: Ambry Variant Classification Scheme 2023. Collection method: clinical testing. Allele origin: germline.

Fulgent Genetics
Classification: Uncertain significance for Beckwith-Wiedemann syndrome; IMAGe syndrome. Last evaluated: 2024-05-08. Review status: criteria provided, single submitter. Criteria: ACMG Guidelines, 2015. Collection method: clinical testing. Allele origin: germline.

Labcorp Genetics (formerly Invitae), Labcorp
Classification: Uncertain significance for Beckwith-Wiedemann syndrome. Last evaluated: 2018-03-23. Review status: criteria provided, single submitter. Criteria: Invitae Variant Classification Sherloc (09022015). Collection method: clinical testing. Allele origin: germline.
Comment: While this variant is not present in population databases, the frequency information is unreliable, as metrics indicate poor data quality at this position in the ExAC database. In summary, the available evidence is currently insufficient to determine the role of this variant in disease. Therefore, it has been classified as a Variant of Uncertain Significance. Algorithms developed to predict the effect of missense changes on protein structure and function output the following: SIFT: "Tolerated"; PolyPhen-2: "Benign"; Align-GVGD: "Class C0". The threonine amino acid residue is found in multiple mammalian species, suggesting that this missense change does not adversely affect protein function. These predictions have not been confirmed by published functional studies and their clinical significance is uncertain. This variant has not been reported in the literature in individuals with CDKN1C-related disease. This sequence change replaces alanine with threonine at codon 159 of the CDKN1C protein (p.Ala159Thr). The alanine residue is weakly conserved and there is a small physicochemical difference between alanine and threonine.

NM_001122630.2(CDKN1C):c.442G>A (p.Ala148Thr)

Gene: CDKN1C (cyclin dependent kinase inhibitor 1C; minus strand). Cytogenetic location: 11p15.4.
Variant type: single nucleotide variant.
Coding change: c.442G>A on transcript NM_001122630.2 (MANE Select); coding-DNA position 442, G replaced by A.
Protein change: p.Ala148Thr; replaces alanine 148 with threonine.
Molecular consequence: missense variant. On other transcripts: intron variant (1).
Genome position (GRCh38, 1-based): chr11:2,885,015, C>T on the plus strand (G>A on the coding strand, the complement: CDKN1C is on the minus strand). VCF-style: chr11-2885015-C-T. GRCh37 (hg19) VCF-style: chr11-2906245-C-T.
Other names: c.475G>A, p.Ala159Thr (NM_000076.2, NM_001362474.2, LRG_533t1); c.442G>A, p.Ala148Thr (NM_001122631.2); c.255+187G>A (NM_001362475.2); short protein forms A159T, A148T.
Identifiers: ClinVar variation 568954 (VCV000568954.10), dbSNP rs1237188823, ClinGen allele CA379146628.
Genomic context (GRCh38, chr11:2,885,015, plus strand): 5'-CCAGGACCGCGACCGCGACCGGAGCCGCGACCGGAGCCGCGACCGGAGCCGGAGCCGGGG[C>T]CGGGGCTGGAGCCAGGACCGGGACTGGGGGCGGGGTGGACGCCGGGGCCGGGACCGGGAC-3'
Protein context (NP_001116102.1, residues 138-158): PPVPVLAPAP[Ala148Thr]PAPAPVAAPV